The following is an entry in ClinVar:

ClinVar aggregate classification (germline): Uncertain significance (1 of 4 stars; one submission).

Conditions:
X-linked lymphoproliferative disease due to XIAP deficiency. Also called: XIAP-Related Lymphoproliferative Disease, X-Linked; XIAP DEFICIENCY. Identifiers: Orphanet 2442, Orphanet 538934, MedGen C1845076, MONDO:0010385, OMIM 300635.

Allele frequency attached by ClinVar (database versions not stated): gnomAD exomes below 0.00001 and 0.00001; TOPMed below 0.00001; ExAC 0.00001; gnomAD 0.00001.
gnomAD v4.1: 6 of 1,210,504 alleles (0.0005%); highest among the groups gnomAD compares: East Asian, 0.0059%; no homozygotes.

Submission:

Labcorp Genetics (formerly Invitae), Labcorp
Classification: Uncertain significance for X-linked lymphoproliferative disease due to XIAP deficiency. Last evaluated: 2020-06-04. Review status: criteria provided, single submitter. Criteria: Invitae Variant Classification Sherloc (09022015). Collection method: clinical testing. Allele origin: germline.
Comment: This sequence change replaces tyrosine with cysteine at codon 120 of the XIAP protein (p.Tyr120Cys). The tyrosine residue is weakly conserved and there is a large physicochemical difference between tyrosine and cysteine. The frequency data for this variant in the population databases is considered unreliable, as metrics indicate poor data quality at this position in the ExAC database. This variant has not been reported in the literature in individuals with XIAP-related conditions. Algorithms developed to predict the effect of missense changes on protein structure and function output the following: SIFT: "Not Available"; PolyPhen-2: "Benign"; Align-GVGD: "Not Available". The cysteine amino acid residue is found in multiple mammalian species, suggesting that this missense change does not adversely affect protein function. These predictions have not been confirmed by published functional studies and their clinical significance is uncertain. In summary, the available evidence is currently insufficient to determine the role of this variant in disease. Therefore, it has been classified as a Variant of Uncertain Significance.

NM_001167.4(XIAP):c.359A>G (p.Tyr120Cys)

Gene: XIAP (X-linked inhibitor of apoptosis; plus strand). Cytogenetic location: Xq25.
Variant type: single nucleotide variant.
Coding change: c.359A>G on transcript NM_001167.4 (MANE Select); coding-DNA position 359, A replaced by G.
Protein change: p.Tyr120Cys; replaces tyrosine 120 with cysteine.
Molecular consequence: missense variant.
Genome position (GRCh38, 1-based): chrX:123,886,021, A>G. VCF-style: chrX-123886021-A-G. GRCh37 (hg19) VCF-style: chrX-123019871-A-G.
Other names: c.359A>G, p.Tyr120Cys (NM_001204401.2, NM_001378590.1, NM_001378591.1 and 1 more transcripts); short protein forms Y120C.
Identifiers: ClinVar variation 1015810 (VCV001015810.7), dbSNP rs773543430, ClinGen allele CA10508017.
Genomic context (GRCh38, chrX:123,886,021, plus strand): 5'-ATAGTGCCACGCAGTCTACAAATTCTGGTATCCAGAATGGTCAGTACAAAGTTGAAAACT[A>G]TCTGGGAAGCAGAGATCATTTTGCCTTAGACAGGCCATCTGAGACACATGCAGACTATCT-3'
Protein context (NP_001158.2, residues 110-130): IQNGQYKVEN[Tyr120Cys]LGSRDHFALD